The following is an entry in ClinVar:

ClinVar aggregate classification (germline): Pathogenic/Likely pathogenic. Review status: criteria provided, multiple submitters, no conflicts (2 of 4 stars). 3 submissions from 3 submitters: Pathogenic (2); Likely pathogenic (1). Last evaluated 2025-12-15.

Conditions:
Neurofibromatosis, type 1 (NF1). Also called: Neurofibromatosis, type I; Peripheral type neurofibromatosis; VON RECKLINGHAUSEN DISEASE; NEUROFIBROMATOSIS, TYPE I, SOMATIC. Identifiers: Orphanet 636, MedGen C0027831, MONDO:0018975, OMIM 162200. Disease mechanism: loss of function.

Submissions (3):

Labcorp Genetics (formerly Invitae), Labcorp
Classification: Pathogenic for Neurofibromatosis, type 1. Last evaluated: 2025-12-15. Review status: criteria provided, single submitter. Criteria: Invitae Variant Classification Sherloc (09022015). Collection method: clinical testing. Allele origin: germline.
Comment: This sequence change affects a donor splice site in intron 48 of the NF1 gene. It is expected to disrupt RNA splicing. Variants that disrupt the donor or acceptor splice site typically lead to a loss of protein function (PMID: 16199547), and loss-of-function variants in NF1 are known to be pathogenic (PMID: 10712197, 23913538). This variant is not present in population databases (gnomAD no frequency). Disruption of this splice site has been observed in individual(s) with clinical features of neurofibromatosis type I (PMID: 12552569, 18546366, 31201679). This variant is also known as c.7321+1G>A. ClinVar contains an entry for this variant (Variation ID: 2736580). Algorithms developed to predict the effect of sequence changes on RNA splicing suggest that this variant may disrupt the consensus splice site. For these reasons, this variant has been classified as Pathogenic.

Department of Medical Genetics, International Peace Maternity and Child Health Hospital, Shanghai Jiao Tong University School of Medicine
Classification: Likely pathogenic for Neurofibromatosis, type 1. Last evaluated: 2025-03-22. Review status: criteria provided, single submitter. Criteria: ACMG Guidelines, 2015. Collection method: clinical testing. Allele origin: germline. Affected: yes.
Comment: This sequence change affects a donor splice site in intron 48 of the NF1 gene. It is expected to disrupt RNA splicing. Loss-of-function variants in NF1 are known to be pathogenic (PMID: 10712197, 23913538), so this variant has been classified as Likely Pathogenic.

Center of Human Genetics, Hôpital Erasme
Classification: Pathogenic for Neurofibromatosis, type 1. Last evaluated: 2025-01-01. Review status: criteria provided, single submitter. Criteria: ACMG Guidelines, 2015. Collection method: clinical testing. Allele origin: de novo. Affected: yes.

Literature cited by the submitters: PubMed 16199547 (cited by Labcorp Genetics (formerly Invitae), Labcorp); PubMed 10712197 (cited by Labcorp Genetics (formerly Invitae), Labcorp and Department of Medical Genetics, International Peace Maternity and Child Health Hospital, Shanghai Jiao Tong University School of Medicine); PubMed 23913538 (cited by Labcorp Genetics (formerly Invitae), Labcorp and Department of Medical Genetics, International Peace Maternity and Child Health Hospital, Shanghai Jiao Tong University School of Medicine); PubMed 12552569 (cited by Labcorp Genetics (formerly Invitae), Labcorp); PubMed 18546366 (cited by Labcorp Genetics (formerly Invitae), Labcorp); PubMed 31201679 (cited by Labcorp Genetics (formerly Invitae), Labcorp).

NM_001042492.3(NF1):c.7321+1G>A

Gene: NF1 (neurofibromin 1; plus strand). Cytogenetic location: 17q11.2.
Variant type: single nucleotide variant.
Coding change: c.7321+1G>A on transcript NM_001042492.3 (MANE Select); the canonical splice donor site of the intron after coding-DNA position 7321, G replaced by A.
Molecular consequence: splice donor variant.
Genome position (GRCh38, 1-based): chr17:31,349,252, G>A. VCF-style: chr17-31349252-G-A. GRCh37 (hg19) VCF-style: chr17-29676270-G-A.
Other names: c.7258+1G>A (NM_000267.4).
Identifiers: ClinVar variation 2736580 (VCV002736580.5), dbSNP rs1135402903, ClinGen allele CA399016933.